The following is an entry in ClinVar:

NM_000829.4(GRIA4):c.185T>C (p.Phe62Ser)

Gene: GRIA4 (glutamate ionotropic receptor AMPA type subunit 4; plus strand). Cytogenetic location: 11q22.3.
Variant type: single nucleotide variant.
Coding change: c.185T>C on transcript NM_000829.4 (MANE Select); coding-DNA position 185, T replaced by C.
Protein change: p.Phe62Ser; replaces phenylalanine 62 with serine.
Molecular consequence: missense variant. On other transcripts: non-coding transcript variant (1).
Genome position (GRCh38, 1-based): chr11:105,612,372, T>C. VCF-style: chr11-105612372-T-C. GRCh37 (hg19) VCF-style: chr11-105483099-T-C.
Other names: c.185T>C, p.Phe62Ser (NM_001440383.1, NM_001440384.1, NM_001440385.1 and 20 more transcripts); short protein forms F62S.
Identifiers: ClinVar variation 4082699 (VCV004082699.2).

ClinVar aggregate classification (germline): Uncertain significance (1 of 4 stars; one submission).

Submission:

GeneDx
Classification: Uncertain significance. Last evaluated: 2025-09-26. Review status: criteria provided, single submitter. Criteria: GeneDx Variant Classification Process June 2021. Collection method: clinical testing. Allele origin: germline.
Comment: Not observed at significant frequency in large population cohorts (gnomAD); In silico analysis supports that this missense variant has a deleterious effect on protein structure/function; Has not been previously published as pathogenic or benign to our knowledge